The following is an entry in ClinVar:

ClinVar aggregate classification (germline): Likely benign (1 of 4 stars; one submission).

Conditions:
Tuberous sclerosis 1 (TSC1). Identifiers: Orphanet 805, MedGen C1854465, MONDO:0008612, OMIM 191100.

Submission:

Myriad Genetics, Inc.
Classification: Likely benign for Tuberous sclerosis 1. Last evaluated: 2025-04-08. Review status: criteria provided, single submitter. Criteria: Myriad Autosomal Dominant, Autosomal Recessive and X-Linked Classification Criteria (2023). Collection method: clinical testing. Allele origin: unknown.
Comment: This variant is considered likely benign. This variant is intronic and is not expected to impact mRNA splicing.

NM_000368.5(TSC1):c.664-10A>T

Gene: TSC1 (TSC complex subunit 1; minus strand). Cytogenetic location: 9q34.13.
Variant type: single nucleotide variant.
Coding change: c.664-10A>T on transcript NM_000368.5 (MANE Select); 10 bases into the intron before coding-DNA position 664, A replaced by T.
Molecular consequence: intron variant.
Genome position (GRCh38, 1-based): chr9:132,921,446, T>A on the plus strand (A>T on the coding strand, the complement: TSC1 is on the minus strand). VCF-style: chr9-132921446-T-A. GRCh37 (hg19) VCF-style: chr9-135796833-T-A.
Other names: c.301-10A>T (NM_001406615.1, NM_001406620.1, NM_001406618.1 and 10 more transcripts); c.664-10A>T (NM_001406599.1, NM_001406594.1, NM_001406603.1 and 16 more transcripts); c.511-10A>T (NM_001406613.1, NM_001406612.1, NM_001406610.1 and 2 more transcripts); c.-215+373A>T (NM_001406627.1, NM_001406628.1, NM_001406626.1); c.-357+373A>T (NM_001406629.1); c.-430-10A>T (NM_001406630.1).
Identifiers: ClinVar variation 4071230 (VCV004071230.1).